The following is an entry in ClinVar:

NM_000550.3(TYRP1):c.82del (p.Arg28fs)

Gene: TYRP1 (tyrosinase related protein 1; plus strand). Cytogenetic location: 9p23.
Variant type: Deletion.
Coding change: c.82del on transcript NM_000550.3 (MANE Select); coding-DNA position 82, one base deleted (A; older notation c.82delA).
Protein change: p.Arg28fs; shifts the reading frame from arginine 28.
Molecular consequence: frameshift variant.
Genome position (GRCh38, 1-based): chr9:12,694,078, A deleted; the last of 2 consecutive A bases (chr9:12,694,077-12,694,078); deleting either gives the same sequence. VCF-style (leftmost placement, unchanged base first): chr9-12694076-CA-C. GRCh37 (hg19) VCF-style: chr9-12694076-CA-C.
Other names: short protein forms R28fs.
Identifiers: ClinVar variation 1069699 (VCV001069699.7), dbSNP rs1563851439, ClinGen allele CA586637041.
Genomic context (GRCh38, chr9:12,694,076, plus strand): 5'-TCTCTCTGGGCTGTATCTTCTTCCCCTTGCTACTTTTTCAGCAGGCCCGGGCTCAATTCC[CA>C]AGACAGTGTGCCACTGTTGAGGCTTTGAGAAGTGGTATGTGTTGCCCAGACCTGTCCCCT-3'

ClinVar aggregate classification (germline): Pathogenic (1 of 4 stars; one submission).

Submission:

Labcorp Genetics (formerly Invitae), Labcorp
Classification: Pathogenic. Last evaluated: 2025-03-17. Review status: criteria provided, single submitter. Criteria: Invitae Variant Classification Sherloc (09022015). Collection method: clinical testing. Allele origin: germline.
Comment: This sequence change creates a premature translational stop signal (p.Arg28Aspfs*9) in the TYRP1 gene. It is expected to result in an absent or disrupted protein product. Loss-of-function variants in TYRP1 are known to be pathogenic (PMID: 8651291, 9345097). This variant is present in population databases (no rsID available, gnomAD 0.0009%). This variant has not been reported in the literature in individuals affected with TYRP1-related conditions. ClinVar contains an entry for this variant (Variation ID: 1069699). For these reasons, this variant has been classified as Pathogenic.

Literature cited by the submitters: PubMed 8651291; PubMed 9345097.